The following is an entry in ClinVar:

ClinVar aggregate classification (germline): Uncertain significance. Review status: criteria provided, single submitter (1 of 4 stars). 2 submissions from 2 submitters: Uncertain significance (1). 1 of the submissions does not count toward it. Last evaluated 2022-02-02.

Conditions:
Usher syndrome type 1 (USH1). Also called: RETINITIS PIGMENTOSA AND CONGENITAL DEAFNESS. Identifiers: Orphanet 231169, Orphanet 886, MedGen C1568247, MONDO:0010168, OMIM 276900.

Allele frequency attached by ClinVar (database versions not stated): TOPMed 0.00001; gnomAD exomes below 0.00001; gnomAD 0.00001.
gnomAD v4.1: 2 of 1,613,872 alleles (0.00012%); highest among the groups gnomAD compares: Non-Finnish European, 0.00017%; no homozygotes.

Submissions (2):

Labcorp Genetics (formerly Invitae), Labcorp
Classification: Uncertain significance. Last evaluated: 2022-02-02. Review status: criteria provided, single submitter. Criteria: Invitae Variant Classification Sherloc (09022015). Collection method: clinical testing. Allele origin: germline.
Comment: Algorithms developed to predict the effect of missense changes on protein structure and function are either unavailable or do not agree on the potential impact of this missense change (SIFT: "Deleterious"; PolyPhen-2: "Not Available"; Align-GVGD: "Class C55"). In summary, the available evidence is currently insufficient to determine the role of this variant in disease. Therefore, it has been classified as a Variant of Uncertain Significance. ClinVar contains an entry for this variant (Variation ID: 1016578). This variant has not been reported in the literature in individuals affected with CDH23-related conditions. This variant is present in population databases (rs748864889, gnomAD 0.007%). This sequence change replaces alanine, which is neutral and non-polar, with valine, which is neutral and non-polar, at codon 2320 of the CDH23 protein (p.Ala2320Val).

Natera, Inc.
Classification: Uncertain significance for Usher syndrome type 1. Last evaluated: 2020-11-18. Review status: no assertion criteria provided. Collection method: clinical testing. Allele origin: germline. Not counted in ClinVar's aggregate classification.

NM_022124.6(CDH23):c.6959C>T (p.Ala2320Val)

Gene: CDH23 (cadherin related 23; plus strand). Cytogenetic location: 10q22.1.
Variant type: single nucleotide variant.
Coding change: c.6959C>T on transcript NM_022124.6 (MANE Select); coding-DNA position 6959, C replaced by T.
Protein change: p.Ala2320Val; replaces alanine 2320 with valine.
Molecular consequence: missense variant.
Genome position (GRCh38, 1-based): chr10:71,798,483, C>T. VCF-style: chr10-71798483-C-T. GRCh37 (hg19) VCF-style: chr10-73558240-C-T.
Other names: c.239C>T, p.Ala80Val (NM_001171933.1, NM_001171934.1); short protein forms A2320V, A80V.
Identifiers: ClinVar variation 1016578 (VCV001016578.9), dbSNP rs748864889, ClinGen allele CA209469626.